The following is an entry in ClinVar:

NM_001164508.2(NEB):c.11910+3A>G

Gene: NEB (nebulin; minus strand). Cytogenetic location: 2q23.3.
Variant type: single nucleotide variant.
Coding change: c.11910+3A>G on transcript NM_001164508.2 (MANE Select); 3 bases into the intron after coding-DNA position 11910, A replaced by G.
Molecular consequence: intron variant.
Genome position (GRCh38, 1-based): chr2:151,610,759, T>C on the plus strand (A>G on the coding strand, the complement: NEB is on the minus strand). VCF-style: chr2-151610759-T-C. GRCh37 (hg19) VCF-style: chr2-152467273-T-C.
Other names: c.11181+3A>G (NM_004543.5); c.11910+3A>G (NM_001164507.2, NM_001271208.2).
Identifiers: ClinVar variation 957378 (VCV000957378.6), dbSNP rs2097920067, ClinGen allele CA1139657243.

ClinVar aggregate classification (germline): Uncertain significance (1 of 4 stars; one submission).

Conditions:
Nemaline myopathy 2 (NEM2). Also called: Nemaline myopathy 2, autosomal recessive. Identifiers: MedGen C1850569, MONDO:0009725, OMIM 256030.

Submission:

Labcorp Genetics (formerly Invitae), Labcorp
Classification: Uncertain significance for Nemaline myopathy 2. Last evaluated: 2022-02-03. Review status: criteria provided, single submitter. Criteria: Invitae Variant Classification Sherloc (09022015). Collection method: clinical testing. Allele origin: germline.
Comment: This variant has not been reported in the literature in individuals affected with NEB-related conditions. This sequence change falls in intron 79 of the NEB gene. It does not directly change the encoded amino acid sequence of the NEB protein. It affects a nucleotide within the consensus splice site. This variant is not present in population databases (gnomAD no frequency). ClinVar contains an entry for this variant (Variation ID: 957378). Variants that disrupt the consensus splice site are a relatively common cause of aberrant splicing (PMID: 17576681, 9536098). Algorithms developed to predict the effect of sequence changes on RNA splicing suggest that this variant may disrupt the consensus splice site. In summary, the available evidence is currently insufficient to determine the role of this variant in disease. Therefore, it has been classified as a Variant of Uncertain Significance.

Literature cited by the submitters: PubMed 17576681; PubMed 9536098.